The following is an entry in ClinVar:

ClinVar aggregate classification (germline): Uncertain significance (1 of 4 stars; one submission).

Submission:

Quest Diagnostics Nichols Institute San Juan Capistrano
Classification: Uncertain significance. Last evaluated: 2025-08-05. Review status: criteria provided, single submitter. Criteria: Quest Diagnostics criteria. Collection method: clinical testing. Allele origin: unknown.
Comment: The PMS2 c.2446-4T>C variant has not been reported in individuals with PMS2-related conditions in the published literature. This variant also has not been reported in large, multi-ethnic general populations (Genome Aggregation Database). Analysis of this variant using software algorithms for the prediction of the effect of nucleotide changes on splicing yielded predictions that this variant does not affect PMS2 mRNA splicing. Based on the available information, we are unable to determine the clinical significance of this variant.

NM_000535.7(PMS2):c.2446-4T>C

Gene: PMS2 (PMS1 homolog 2, mismatch repair system component; minus strand). Cytogenetic location: 7p22.1.
Variant type: single nucleotide variant.
Coding change: c.2446-4T>C on transcript NM_000535.7 (MANE Select); 4 bases into the intron before coding-DNA position 2446, T replaced by C.
Molecular consequence: intron variant.
Genome position (GRCh38, 1-based): chr7:5,973,546, A>G on the plus strand (T>C on the coding strand, the complement: PMS2 is on the minus strand). VCF-style: chr7-5973546-A-G. GRCh37 (hg19) VCF-style: chr7-6013177-A-G.
Other names: c.2128-4T>C (NM_001322008.2, NM_001406883.1, NM_001322007.2); c.2137-4T>C (NM_001406881.1, NM_001406879.1, NM_001322015.2 and 4 more transcripts); c.2041-4T>C (NM_001406895.1, NM_001322004.2, NM_001406889.1 and 11 more transcripts); c.1675-4T>C (NM_001406911.1); c.1885-4T>C (NM_001322010.2, NM_001406906.1, NM_001406907.1); c.1972-4T>C (NM_001406902.1, NM_001406901.1); c.1933-4T>C (NM_001406904.1, NM_001406905.1); c.1873-4T>C (NM_001322013.2, NM_001406908.1, NM_001406909.1); and 20 more.
Identifiers: ClinVar variation 4532977 (VCV004532977.1).
Genomic context (GRCh38, chr7:5,973,546, plus strand): 5'-CATGTGGGTGATCAGTTTCTTCATCTCGCTTGTGTTAAGAGCAGTCCCAATCATCACCTG[A>G]GTGTGAGACACAATGGTTCAACGTTTTAGTAGTTTTTTGACGTCAGAATGGCAGCTCTTC-3'